The following is an entry in ClinVar:

NM_003579.4(RAD54L):c.530A>G (p.His177Arg)

Gene: RAD54L (RAD54 like; plus strand). Cytogenetic location: 1p34.1.
Variant type: single nucleotide variant.
Coding change: c.530A>G on transcript NM_003579.4 (MANE Select); coding-DNA position 530, A replaced by G.
Protein change: p.His177Arg; replaces histidine 177 with arginine.
Molecular consequence: missense variant. On other transcripts: 5 prime UTR variant (1).
Genome position (GRCh38, 1-based): chr1:46,260,779, A>G. VCF-style: chr1-46260779-A-G. GRCh37 (hg19) VCF-style: chr1-46726451-A-G.
Other names: c.530A>G, p.His177Arg (NM_001142548.2); c.-11A>G (NM_001370766.1); short protein forms H177R.
Identifiers: ClinVar variation 3429775 (VCV003429775.1).
Genomic context (GRCh38, chr1:46,260,779, plus strand): 5'-TTCTCTAGGGAGTGAAATTCCTGTGGGAGTGTGTCACCAGTCGGCGCATCCCTGGCAGCC[A>G]TGGCTGCATCATGGCTGATGAGATGGGCCTAGGAAAGACGCTGCAGTGCATCACATTGAT-3'
Protein context (NP_003570.2, residues 167-187): CVTSRRIPGS[His177Arg]GCIMADEMGL

ClinVar aggregate classification (germline): Uncertain significance (1 of 4 stars; one submission).

gnomAD v4.1: 1 of 1,614,082 alleles (0.000062%); highest among the groups gnomAD compares: African/African-American, 0.0013%; no homozygotes.

Submission:

Ambry Genetics
Classification: Uncertain significance. Last evaluated: 2024-07-03. Review status: criteria provided, single submitter. Criteria: Ambry Variant Classification Scheme 2023. Collection method: clinical testing. Allele origin: germline.
Comment: The p.H177R variant (also known as c.530A>G), located in coding exon 7 of the RAD54L gene, results from an A to G substitution at nucleotide position 530. The histidine at codon 177 is replaced by arginine, an amino acid with highly similar properties. This amino acid position is conserved. In addition, the in silico prediction for this alteration is inconclusive. Based on the available evidence, the clinical significance of this variant remains unclear.